The following is an entry in ClinVar:

NM_014956.5(CEP164):c.2665G>C (p.Glu889Gln)

Gene: CEP164 (centrosomal protein 164; plus strand). Cytogenetic location: 11q23.3.
Variant type: single nucleotide variant.
Coding change: c.2665G>C on transcript NM_014956.5 (MANE Select); coding-DNA position 2665, G replaced by C.
Protein change: p.Glu889Gln; replaces glutamic acid 889 with glutamine.
Molecular consequence: missense variant.
Genome position (GRCh38, 1-based): chr11:117,394,398, G>C. VCF-style: chr11-117394398-G-C. GRCh37 (hg19) VCF-style: chr11-117265114-G-C.
Other names: c.2674G>C, p.Glu892Gln (NM_001271933.2, NM_001440949.1); c.2665G>C, p.Glu889Gln (NM_001440950.1, NM_001440951.1, NM_001440953.1); c.2500G>C, p.Glu834Gln (NM_001440952.1, NM_001440968.1, NM_001440969.1); c.2587G>C, p.Glu863Gln (NM_001440954.1, NM_001440955.1, NM_001440958.1 and 1 more transcripts); c.2578G>C, p.Glu860Gln (NM_001440956.1, NM_001440957.1); c.2536G>C, p.Glu846Gln (NM_001440960.1); c.2527G>C, p.Glu843Gln (NM_001440961.1, NM_001440967.1); c.2518G>C, p.Glu840Gln (NM_001440962.1, NM_001440963.1, NM_001440964.1 and 4 more transcripts); and 7 more; short protein forms E814Q, E819Q, E840Q, E892Q, E744Q, E793Q, E834Q, E836Q.
Identifiers: ClinVar variation 4999937 (VCV004999937.1).
Genomic context (GRCh38, chr11:117,394,398, plus strand): 5'-CCCTCCTTGCAGGAGAGGAAGCAGCGGGCTGAGCTTCTGGGGCACCTGACCGGAGAGCTG[G>C]AGCGCCTGCAGAGGGCCCATGAACGAGAACTGGAGACTGTGAGGCAGGAGCAACACAAGC-3'
Protein context (NP_055771.4, residues 879-899): ELLGHLTGEL[Glu889Gln]RLQRAHEREL

ClinVar aggregate classification (germline): Uncertain significance (1 of 4 stars; one submission).

Conditions:
CEP164-related disorder. Also called: CEP164-related condition.

gnomAD v4.1: 2 of 1,612,380 alleles (0.00012%); highest among the groups gnomAD compares: Non-Finnish European, 0.00017%; no homozygotes.

Submission:

PreventionGenetics, part of Exact Sciences
Classification: Uncertain significance for CEP164-related condition. Last evaluated: 2025-06-24. Review status: criteria provided, single submitter. Criteria: ACMG Guidelines, 2015. Collection method: clinical testing. Allele origin: germline.
Comment: The CEP164 c.2665G>C variant is predicted to result in the amino acid substitution p.Glu889Gln. To our knowledge, this variant has not been reported in the literature or in a large population database (gnomAD), indicating this variant is rare. At this time, the clinical significance of this variant is uncertain due to the absence of conclusive functional and genetic evidence.